The following is an entry in ClinVar:

NM_001903.5(CTNNA1):c.2171T>A (p.Met724Lys)

Gene: CTNNA1 (catenin alpha 1; plus strand). Cytogenetic location: 5q31.2.
Variant type: single nucleotide variant.
Coding change: c.2171T>A on transcript NM_001903.5 (MANE Select); coding-DNA position 2171, T replaced by A.
Protein change: p.Met724Lys; replaces methionine 724 with lysine.
Molecular consequence: missense variant.
Genome position (GRCh38, 1-based): chr5:138,930,633, T>A. VCF-style: chr5-138930633-T-A. GRCh37 (hg19) VCF-style: chr5-138266322-T-A.
Other names: c.1061T>A, p.Met354Lys (NM_001323996.1, NM_001323997.1, NM_001323999.1 and 17 more transcripts); c.818T>A, p.Met273Lys (NM_001324013.1, NM_001324012.1); c.2171T>A, p.Met724Lys (NM_001290307.3, NM_001323982.2, NM_001323983.1 and 2 more transcripts); c.1862T>A, p.Met621Lys (NM_001290309.3); c.1802T>A, p.Met601Lys (NM_001290310.3); c.2078T>A, p.Met693Lys (NM_001323986.2); c.722T>A, p.Met241Lys (NM_001324006.1, NM_001324007.1, NM_001324008.1 and 2 more transcripts); c.968T>A, p.Met323Lys (NM_001324011.1); short protein forms M621K, M693K, M273K, M724K, M323K, M241K, M354K, M601K.
Identifiers: ClinVar variation 2842935 (VCV002842935.3), dbSNP rs2533851316, ClinGen allele CA361133678.
Genomic context (GRCh38, chr5:138,930,633, plus strand): 5'-AATGGGACGACAGTGGCAATGACATCATTGTGCTGGCCAAGCAGATGTGCATGATTATGA[T>A]GGAGATGACAGACTTTACCCGGTGAGCAGCACCCCGGCCCCACCAGGCTGCACAGGGGCT-3'
Protein context (NP_001894.2, residues 714-734): VLAKQMCMIM[Met724Lys]EMTDFTRGKG

ClinVar aggregate classification (germline): Uncertain significance (1 of 4 stars; one submission).

Submission:

Labcorp Genetics (formerly Invitae), Labcorp
Classification: Uncertain significance. Last evaluated: 2023-03-04. Review status: criteria provided, single submitter. Criteria: Invitae Variant Classification Sherloc (09022015). Collection method: clinical testing. Allele origin: germline.
Comment: This variant is not present in population databases (gnomAD no frequency). This sequence change replaces methionine, which is neutral and non-polar, with lysine, which is basic and polar, at codon 724 of the CTNNA1 protein (p.Met724Lys). This variant has not been reported in the literature in individuals affected with CTNNA1-related conditions. In summary, the available evidence is currently insufficient to determine the role of this variant in disease. Therefore, it has been classified as a Variant of Uncertain Significance. Advanced modeling of protein sequence and biophysical properties (such as structural, functional, and spatial information, amino acid conservation, physicochemical variation, residue mobility, and thermodynamic stability) has been performed at Invitae for this missense variant, however the output from this modeling did not meet the statistical confidence thresholds required to predict the impact of this variant on CTNNA1 protein function.